The following is an entry in ClinVar:

ClinVar aggregate classification (germline): Uncertain significance (1 of 4 stars; one submission).

Conditions:
RFT1-congenital disorder of glycosylation (CDG1N). Also called: CDG In; Congenital disorder of glycosylation type In; RFT1-CDG. Identifiers: Orphanet 244310, MedGen C2677590, MONDO:0012783, OMIM 612015.

Submission:

Labcorp Genetics (formerly Invitae), Labcorp
Classification: Uncertain significance for RFT1-congenital disorder of glycosylation. Last evaluated: 2022-07-31. Review status: criteria provided, single submitter. Criteria: Invitae Variant Classification Sherloc (09022015). Collection method: clinical testing. Allele origin: germline.
Comment: This sequence change replaces leucine, which is neutral and non-polar, with phenylalanine, which is neutral and non-polar, at codon 316 of the RFT1 protein (p.Leu316Phe). In summary, the available evidence is currently insufficient to determine the role of this variant in disease. Therefore, it has been classified as a Variant of Uncertain Significance. Algorithms developed to predict the effect of missense changes on protein structure and function are either unavailable or do not agree on the potential impact of this missense change (SIFT: "Tolerated"; PolyPhen-2: "Possibly Damaging"; Align-GVGD: "Class C0"). ClinVar contains an entry for this variant (Variation ID: 1487714). This variant has not been reported in the literature in individuals affected with RFT1-related conditions. This variant is not present in population databases (gnomAD no frequency).

NM_052859.4(RFT1):c.946C>T (p.Leu316Phe)

Gene: RFT1 (RFT1 glycolipid translocator homolog; minus strand). Cytogenetic location: 3p21.1.
Variant type: single nucleotide variant.
Coding change: c.946C>T on transcript NM_052859.4 (MANE Select); coding-DNA position 946, C replaced by T.
Protein change: p.Leu316Phe; replaces leucine 316 with phenylalanine.
Molecular consequence: missense variant.
Genome position (GRCh38, 1-based): chr3:53,105,684, G>A on the plus strand (C>T on the coding strand, the complement: RFT1 is on the minus strand). VCF-style: chr3-53105684-G-A. GRCh37 (hg19) VCF-style: chr3-53139700-G-A.
Other names: short protein forms L316F.
Identifiers: ClinVar variation 1487714 (VCV001487714.6), dbSNP rs2107115119, ClinGen allele CA353229434.
Genomic context (GRCh38, chr3:53,105,684, plus strand): 5'-CAATTAAAGGGAGAATTCACTTGAGAGATGACATAAGAACCAACATTACCTGCTTCTGAA[G>A]TGTGGCATCCTTTCCCCTCTCCAGCACCTTAGCAAAAAATATATAAAAACTTTCCTCTAT-3'
Protein context (NP_443091.1, residues 306-326): KVLERGKDAT[Leu316Phe]QKQEDVAVAA